The following is an entry in ClinVar:

NM_000310.4(PPT1):c.*1154T>C

Gene: PPT1 (palmitoyl-protein thioesterase 1; minus strand). Cytogenetic location: 1p34.2.
Variant type: single nucleotide variant.
Coding change: c.*1154T>C on transcript NM_000310.4 (MANE Select); 1154 bases downstream of the stop codon, T replaced by C.
Molecular consequence: 3 prime UTR variant.
Genome position (GRCh38, 1-based): chr1:40,072,907, A>G on the plus strand (T>C on the coding strand, the complement: PPT1 is on the minus strand). VCF-style: chr1-40072907-A-G. GRCh37 (hg19) VCF-style: chr1-40538579-A-G.
Other names: c.*1154T>C (NM_001142604.2, NM_001363695.2).
Identifiers: ClinVar variation 297216 (VCV000297216.5), dbSNP rs562172868, ClinGen allele CA10610985.

ClinVar aggregate classification (germline): Likely benign (1 of 4 stars; one submission).

Conditions:
Neuronal ceroid lipofuscinosis 1 (CLN1). Also called: CEROID LIPOFUSCINOSIS, NEURONAL, 1, VARIABLE AGE AT ONSET; PPT1-Related Neuronal Ceroid-Lipofuscinosis. Identifiers: Orphanet 228329, MedGen C1850451, MONDO:0009744, OMIM 256730.

Allele frequency attached by ClinVar (database versions not stated): gnomAD 0.00006 and 0.00038; TOPMed 0.00009; 1000 Genomes Project 30x 0.00250; 1000 Genomes Project 0.00280.

Submission:

Illumina Laboratory Services, Illumina
Classification: Likely benign for Neuronal ceroid lipofuscinosis 1. Last evaluated: 2018-01-12. Review status: criteria provided, single submitter. Criteria: ICSL Variant Classification Criteria 13 December 2019. Collection method: clinical testing. Allele origin: germline.
Comment: This variant was observed in the ICSL laboratory as part of a predisposition screen in an ostensibly healthy population. It had not been previously curated by ICSL or reported in the Human Gene Mutation Database (HGMD: prior to June 1st, 2018), and was therefore a candidate for classification through an automated scoring system. Utilizing variant allele frequency, disease prevalence and penetrance estimates, and inheritance mode, an automated score was calculated to assess if this variant is too frequent to cause the disease. Based on the score and internal cut-off values, a variant classified as likely benign is not then subjected to further curation. The score for this variant resulted in a classification of likely benign for this disease.